The following is an entry in ClinVar:

NM_000222.3(KIT):c.1730C>T (p.Pro577Leu)

Gene: KIT (KIT proto-oncogene, receptor tyrosine kinase; plus strand). Cytogenetic location: 4q12.
Variant type: single nucleotide variant.
Coding change: c.1730C>T on transcript NM_000222.3 (MANE Select); coding-DNA position 1730, C replaced by T.
Protein change: p.Pro577Leu; replaces proline 577 with leucine.
Molecular consequence: missense variant.
Genome position (GRCh38, 1-based): chr4:54,727,498, C>T. VCF-style: chr4-54727498-C-T. GRCh37 (hg19) VCF-style: chr4-55593664-C-T.
Other names: c.1718C>T, p.Pro573Leu (NM_001093772.2, NM_001385286.1); c.1733C>T, p.Pro578Leu (NM_001385284.1, NM_001385290.1); c.1730C>T, p.Pro577Leu (NM_001385285.1); c.1721C>T, p.Pro574Leu (NM_001385288.1, NM_001385292.1); short protein forms P574L, P577L, P573L, P578L.
Identifiers: ClinVar variation 1778973 (VCV001778973.7), dbSNP rs1722313936, ClinGen allele CA356907583.

ClinVar aggregate classification (germline): Uncertain significance. Review status: criteria provided, multiple submitters, no conflicts (2 of 4 stars). 2 submissions from 2 submitters: Uncertain significance (2). Last evaluated 2025-10-24.

Conditions:
Gastrointestinal stromal tumor. Also called: Gastrointestinal stromal tumor, somatic; Gastrointestinal stroma tumor. Identifiers: Orphanet 44890, MedGen C0238198, MeSH D046152, MONDO:0011719, OMIM 606764, HP:0100723.
Hereditary cancer-predisposing syndrome. Also called: Neoplastic Syndromes, Hereditary; Tumor predisposition; Hereditary Cancer Syndrome; Hereditary neoplastic syndrome. Identifiers: Orphanet 140162, MedGen C0027672, MeSH D009386, MONDO:0015356.

Submissions (2):

Ambry Genetics
Classification: Uncertain significance for Hereditary cancer-predisposing syndrome. Last evaluated: 2025-10-24. Review status: criteria provided, single submitter. Criteria: Ambry Variant Classification Scheme 2023. Collection method: clinical testing. Allele origin: germline.
Comment: The p.P577L variant (also known as c.1730C>T), located in coding exon 11 of the KIT gene, results from a C to T substitution at nucleotide position 1730. The proline at codon 577 is replaced by leucine, an amino acid with similar properties. This amino acid position is highly conserved in available vertebrate species. In addition, this alteration is predicted to be deleterious by in silico analysis. Based on the available evidence, the clinical significance of this variant remains unclear.

Labcorp Genetics (formerly Invitae), Labcorp
Classification: Uncertain significance for Gastrointestinal stromal tumor. Last evaluated: 2023-10-22. Review status: criteria provided, single submitter. Criteria: Invitae Variant Classification Sherloc (09022015). Collection method: clinical testing. Allele origin: germline.
Comment: This sequence change replaces proline, which is neutral and non-polar, with leucine, which is neutral and non-polar, at codon 577 of the KIT protein (p.Pro577Leu). This variant is not present in population databases (gnomAD no frequency). This variant has not been reported in the literature in individuals affected with KIT-related conditions. ClinVar contains an entry for this variant (Variation ID: 1778973). An algorithm developed to predict the effect of missense changes on protein structure and function (PolyPhen-2) suggests that this variant is likely to be disruptive. In summary, the available evidence is currently insufficient to determine the role of this variant in disease. Therefore, it has been classified as a Variant of Uncertain Significance.